The following is an entry in ClinVar:

ClinVar aggregate classification (germline): Benign/Likely benign. Review status: criteria provided, multiple submitters, no conflicts (2 of 4 stars). 3 submissions from 3 submitters: Benign (1); Likely benign (2). Last evaluated 2026-07-10.

Conditions:
Hereditary cancer-predisposing syndrome. Also called: Tumor predisposition; Neoplastic Syndromes, Hereditary; Hereditary Cancer Syndrome; Hereditary neoplastic syndrome. Identifiers: Orphanet 140162, MedGen C0027672, MeSH D009386, MONDO:0015356.
Rhabdoid tumor predisposition syndrome 2 (RTPS2). Identifiers: Orphanet 231108, Orphanet 69077, MedGen C2750074, MONDO:0013224, OMIM 613325.

Allele frequency attached by ClinVar (database versions not stated): gnomAD exomes below 0.00001.
gnomAD v4.1: 4 of 1,614,204 alleles (0.00025%); highest among the groups gnomAD compares: Non-Finnish European, 0.00034%; no homozygotes.

Submissions (3):

Myriad Genetics, Inc.
Classification: Benign for Rhabdoid tumor predisposition syndrome 2. Last evaluated: 2026-07-10. Review status: criteria provided, single submitter. Criteria: Myriad Autosomal Dominant, Autosomal Recessive and X-Linked Classification Criteria (2023). Collection method: clinical testing. Allele origin: unknown.
Comment: This variant is considered benign. This variant is a silent/synonymous amino acid change and it is not expected to impact splicing.

Labcorp Genetics (formerly Invitae), Labcorp
Classification: Likely benign for Rhabdoid tumor predisposition syndrome 2. Last evaluated: 2026-01-01. Review status: criteria provided, single submitter. Criteria: Invitae Variant Classification Sherloc (09022015). Collection method: clinical testing. Allele origin: germline.

Ambry Genetics
Classification: Likely benign for Hereditary cancer-predisposing syndrome. Last evaluated: 2019-11-08. Review status: criteria provided, single submitter. Criteria: Ambry Variant Classification Scheme 2023. Collection method: clinical testing. Allele origin: germline.

NM_003072.5(SMARCA4):c.1737G>A (p.Glu579=)

Gene: SMARCA4 (SWI/SNF related BAF chromatin remodeling complex subunit ATPase 4; plus strand). Cytogenetic location: 19p13.2.
Variant type: single nucleotide variant.
Coding change: c.1737G>A on transcript NM_003072.5 (MANE Select); coding-DNA position 1737, G replaced by A.
Protein change: p.Glu579=; no amino-acid change (glutamic acid 579 retained).
Molecular consequence: synonymous variant. On other transcripts: non-coding transcript variant (1).
Genome position (GRCh38, 1-based): chr19:10,996,356, G>A. VCF-style: chr19-10996356-G-A. GRCh37 (hg19) VCF-style: chr19-11107032-G-A.
Other names: c.1737G>A, p.Glu579= (NM_001128844.3, NM_001128845.2, NM_001128846.2 and 5 more transcripts).
Identifiers: ClinVar variation 537857 (VCV000537857.16), dbSNP rs1555763753, ClinGen allele CA505744186.